The following is an entry in ClinVar:

NM_001376.5(DYNC1H1):c.9643-6C>T

Gene: DYNC1H1 (dynein cytoplasmic 1 heavy chain 1; plus strand). Cytogenetic location: 14q32.31.
Variant type: single nucleotide variant.
Coding change: c.9643-6C>T on transcript NM_001376.5 (MANE Select); 6 bases into the intron before coding-DNA position 9643, C replaced by T.
Molecular consequence: intron variant.
Genome position (GRCh38, 1-based): chr14:102,029,813, C>T. VCF-style: chr14-102029813-C-T. GRCh37 (hg19) VCF-style: chr14-102496150-C-T.
Other names: c.9643-6C>T (NM_001376.4).
Identifiers: ClinVar variation 2195456 (VCV002195456.7), dbSNP rs777614951, ClinGen allele CA7353272.
Genomic context (GRCh38, chr14:102,029,813, plus strand): 5'-GTGAGGACCCCTTTCCATATAATTTCTGCATGTTTCTCGTCTCTGAGTGTGGGCTTTGCT[C>T]TTTAGGTAGAAGAACTGCGTCGTGACTTGAGGATAAAGAGCCAAGAGCTGGAGGTGAAGA-3'

ClinVar aggregate classification (germline): Benign/Likely benign. Review status: criteria provided, multiple submitters, no conflicts (2 of 4 stars). 3 submissions from 3 submitters: Benign (1); Likely benign (2). Last evaluated 2026-07-23.

Conditions:
DYNC1H1-related disorder. Also called: DYNC1H1-related condition; DYNC1H1-related disorders. Identifiers: MedGen CN381529.
Inborn genetic diseases. Identifiers: MedGen C0950123, MeSH D030342.
Charcot-Marie-Tooth disease axonal type 2O. Also called: Charcot-Marie-Tooth disease, axonal, type 20; CHARCOT-MARIE-TOOTH NEUROPATHY, AXONAL, TYPE 2O; CHARCOT-MARIE-TOOTH DISEASE, AXONAL, AUTOSOMAL DOMINANT, TYPE 2O; Charcot-Marie-Tooth Neuropathy Type 2O. Identifiers: Orphanet 284232, MedGen C3280220, MONDO:0013644, OMIM 614228.

Allele frequency attached by ClinVar (database versions not stated): gnomAD 0.00001; TOPMed 0.00002; ExAC 0.00006.
gnomAD v4.1: 19 of 1,614,006 alleles (0.0012%); highest among the groups gnomAD compares: East Asian, 0.036%; no homozygotes.

Submissions (3):

PreventionGenetics, part of Exact Sciences
Classification: Likely benign for DYNC1H1-related condition. Last evaluated: 2026-07-23. Review status: criteria provided, single submitter. Criteria: ACMG Guidelines, 2015. Collection method: clinical testing. Allele origin: germline.
Comment: This variant is classified as likely benign based on ACMG/AMP sequence variant interpretation guidelines (Richards et al. 2015 PMID: 25741868, with internal and published modifications).

Labcorp Genetics (formerly Invitae), Labcorp
Classification: Benign for Charcot-Marie-Tooth disease axonal type 2O. Last evaluated: 2024-09-30. Review status: criteria provided, single submitter. Criteria: Invitae Variant Classification Sherloc (09022015). Collection method: clinical testing. Allele origin: germline.

Ambry Genetics
Classification: Likely benign for Inborn genetic diseases. Last evaluated: 2023-08-28. Review status: criteria provided, single submitter. Criteria: Ambry Variant Classification Scheme 2023. Collection method: clinical testing. Allele origin: germline.